The following is an entry in ClinVar:

NM_002863.5(PYGL):c.920A>G (p.Asp307Gly)

Gene: PYGL (glycogen phosphorylase L; minus strand). Cytogenetic location: 14q22.1.
Variant type: single nucleotide variant.
Coding change: c.920A>G on transcript NM_002863.5 (MANE Select); coding-DNA position 920, A replaced by G.
Protein change: p.Asp307Gly; replaces aspartic acid 307 with glycine.
Molecular consequence: missense variant.
Genome position (GRCh38, 1-based): chr14:50,917,041, T>C on the plus strand (A>G on the coding strand, the complement: PYGL is on the minus strand). VCF-style: chr14-50917041-T-C. GRCh37 (hg19) VCF-style: chr14-51383759-T-C.
Other names: c.818A>G, p.Asp273Gly (NM_001163940.2); short protein forms D273G, D307G.
Identifiers: ClinVar variation 3602174 (VCV003602174.1).

ClinVar aggregate classification (germline): Uncertain significance (1 of 4 stars; one submission).

gnomAD v4.1: 10 of 1,613,948 alleles (0.00062%); highest among the groups gnomAD compares: Non-Finnish European, 0.00025%; no homozygotes.

Submission:

GeneDx
Classification: Uncertain significance. Last evaluated: 2024-08-03. Review status: criteria provided, single submitter. Criteria: GeneDx Variant Classification Process June 2021. Collection method: clinical testing. Allele origin: germline. Affected: yes.
Comment: In silico analysis supports that this missense variant has a deleterious effect on protein structure/function; Has not been previously published as pathogenic or benign to our knowledge